The following is an entry in ClinVar:

ClinVar aggregate classification (germline): Conflicting classifications of pathogenicity. Review status: criteria provided, conflicting classifications (1 of 4 stars). 5 submissions from 5 submitters: Uncertain significance (1); Likely benign (3). 1 of the submissions does not count toward it. Last evaluated 2023-10-18.

Conditions:
NBN-related disorder. Also called: NBN-related condition.
Hereditary cancer-predisposing syndrome. Also called: Tumor predisposition; Hereditary Cancer Syndrome; Hereditary neoplastic syndrome; Neoplastic Syndromes, Hereditary. Identifiers: Orphanet 140162, MedGen C0027672, MeSH D009386, MONDO:0015356.
Microcephaly, normal intelligence and immunodeficiency (NBS). Also called: IMMUNODEFICIENCY, MICROCEPHALY, AND CHROMOSOMAL INSTABILITY; SEEMANOVA SYNDROME II; Nijmegen breakage syndrome; Microcephaly with normal intelligence immunodeficiency and lymphoreticular malignancies; Nonsyndromal microcephaly autosomal recessive with normal intelligence; Seemanova syndrome 2. Identifiers: Orphanet 647, MedGen C0398791, MONDO:0009623, OMIM 251260.

Allele frequency attached by ClinVar (database versions not stated): gnomAD exomes below 0.00001; ExAC 0.00001; gnomAD 0.00001.
gnomAD v4.1: 2 of 1,593,272 alleles (0.00013%); highest among the groups gnomAD compares: South Asian, 0.0011%; no homozygotes.

Submissions (5):

Labcorp Genetics (formerly Invitae), Labcorp
Classification: Likely benign for Microcephaly, normal intelligence and immunodeficiency. Last evaluated: 2023-10-18. Review status: criteria provided, single submitter. Criteria: Invitae Variant Classification Sherloc (09022015). Collection method: clinical testing. Allele origin: germline.

Genome-Nilou Lab
Classification: Likely benign for Microcephaly, normal intelligence and immunodeficiency. Last evaluated: 2021-11-07. Review status: criteria provided, single submitter. Criteria: ACMG Guidelines, 2015. Collection method: clinical testing. Allele origin: germline. Affected: no.

GeneDx
Classification: Uncertain significance. Last evaluated: 2020-02-14. Review status: criteria provided, single submitter. Criteria: GeneDx Variant Classification Process June 2021. Collection method: clinical testing. Allele origin: germline. Affected: yes.
Comment: Not observed at a significant frequency in large population cohorts (Lek 2016); In-silico analysis is inconclusive as to whether the variant alters gene splicing. In the absence of RNA/functional studies, the actual effect of this sequence change is unknown.; Has not been previously published as pathogenic or benign to our knowledge

Ambry Genetics
Classification: Likely benign for Hereditary cancer-predisposing syndrome. Last evaluated: 2019-03-18. Review status: criteria provided, single submitter. Criteria: Ambry Variant Classification Scheme 2023. Collection method: clinical testing. Allele origin: germline.

PreventionGenetics, part of Exact Sciences
Classification: Likely benign for NBN-related condition. Last evaluated: 2019-06-25. Review status: no assertion criteria provided. Collection method: clinical testing. Allele origin: germline. Not counted in ClinVar's aggregate classification.
Comment: This variant is classified as likely benign based on ACMG/AMP sequence variant interpretation guidelines (Richards et al. 2015 PMID: 25741868, with internal and published modifications).

NM_002485.5(NBN):c.1989G>A (p.Val663=)

Gene: NBN (nibrin; minus strand). Cytogenetic location: 8q21.3.
Variant type: single nucleotide variant.
Coding change: c.1989G>A on transcript NM_002485.5 (MANE Select); coding-DNA position 1989, G replaced by A.
Protein change: p.Val663=; no amino-acid change (valine 663 retained).
Molecular consequence: synonymous variant.
Genome position (GRCh38, 1-based): chr8:89,946,221, C>T on the plus strand (G>A on the coding strand, the complement: NBN is on the minus strand). VCF-style: chr8-89946221-C-T. GRCh37 (hg19) VCF-style: chr8-90958449-C-T.
Other names: c.1743G>A, p.Val581= (NM_001024688.3).
Identifiers: ClinVar variation 183863 (VCV000183863.25), dbSNP rs757753217, ClinGen allele CA186793.